The following is an entry in ClinVar:

ClinVar aggregate classification (germline): Uncertain significance. Review status: criteria provided, multiple submitters, no conflicts (2 of 4 stars). 4 submissions from 4 submitters: Uncertain significance (4). Last evaluated 2026-01-12.

Conditions:
Cardiovascular phenotype. Identifiers: MedGen CN230736.
Hypertrophic cardiomyopathy. Also called: HYPERTROPHIC MYOCARDIOPATHY. Identifiers: Orphanet 217569, MedGen C0007194, MeSH D002312, MONDO:0005045, HP:0001639.
Cardiomyopathy (CMYO). Also called: Cardiomyopathies. Identifiers: Orphanet 167848, MedGen C0878544, MONDO:0004994, HP:0001638. Inheritance: Various modes of inheritance.
Lethal congenital glycogen storage disease of heart. Also called: GLYCOGEN STORAGE DISEASE OF HEART; PHOSPHORYLASE KINASE DEFICIENCY OF HEART. Identifiers: Orphanet 439854, MedGen C1849813, MONDO:0009867, OMIM 261740.

Allele frequency attached by ClinVar (database versions not stated): gnomAD exomes 0.00001; TOPMed 0.00002.
gnomAD v4.1: 6 of 1,613,020 alleles (0.00037%); highest among the groups gnomAD compares: Admixed American, 0.01%; no homozygotes.

Submissions (4):

Labcorp Genetics (formerly Invitae), Labcorp
Classification: Uncertain significance for Lethal congenital glycogen storage disease of heart. Last evaluated: 2026-01-12. Review status: criteria provided, single submitter. Criteria: Invitae Variant Classification Sherloc (09022015). Collection method: clinical testing. Allele origin: germline.
Comment: This sequence change replaces leucine, which is neutral and non-polar, with valine, which is neutral and non-polar, at codon 52 of the PRKAG2 protein (p.Leu52Val). This variant is present in population databases (no rsID available, gnomAD 0.009%). This variant has not been reported in the literature in individuals affected with PRKAG2-related conditions. ClinVar contains an entry for this variant (Variation ID: 1775014). Invitae Evidence Modeling of protein sequence and biophysical properties (such as structural, functional, and spatial information, amino acid conservation, physicochemical variation, residue mobility, and thermodynamic stability) indicates that this missense variant is not expected to disrupt PRKAG2 protein function with a negative predictive value of 95%. In summary, the available evidence is currently insufficient to determine the role of this variant in disease. Therefore, it has been classified as a Variant of Uncertain Significance.

All of Us Research Program, National Institutes of Health
Classification: Uncertain significance for Hypertrophic cardiomyopathy. Last evaluated: 2024-05-14. Review status: criteria provided, single submitter. Criteria: ACMG Guidelines, 2015. Collection method: clinical testing. Allele origin: germline. Inheritance: Autosomal dominant inheritance. Observed: 2 variant alleles, 2 heterozygotes.
Comment: This missense variant replaces leucine with valine at codon 52 of the PRKAG2 protein. Computational prediction suggests that this variant may not impact protein structure and function (internally defined REVEL score threshold <= 0.5, PMID: 27666373). To our knowledge, functional studies have not been reported for this variant. This variant has not been reported in individuals affected with PRKAG2-related disorders in the literature. This variant has been identified in 3/248676 chromosomes in the general population by the Genome Aggregation Database (gnomAD). The available evidence is insufficient to determine the role of this variant in disease conclusively. Therefore, this variant is classified as a Variant of Uncertain Significance.

This study involves interpretation of variants in research participants for the purpose of population health screening. Participant phenotype was not available at the time of variant classification. Additional details can be found in publication PMID: 35346344, PMCID: PMC8962531

Color Diagnostics, LLC DBA Color Health
Classification: Uncertain significance for Cardiomyopathy. Last evaluated: 2024-04-24. Review status: criteria provided, single submitter. Criteria: ACMG Guidelines, 2015. Collection method: clinical testing. Allele origin: germline.
Comment: This missense variant replaces leucine with valine at codon 52 of the PRKAG2 protein. Computational prediction suggests that this variant may not impact protein structure and function (internally defined REVEL score threshold <= 0.5, PMID: 27666373). To our knowledge, functional studies have not been reported for this variant. This variant has not been reported in individuals affected with PRKAG2-related disorders in the literature. This variant has been identified in 3/248676 chromosomes in the general population by the Genome Aggregation Database (gnomAD). The available evidence is insufficient to determine the role of this variant in disease conclusively. Therefore, this variant is classified as a Variant of Uncertain Significance.

Ambry Genetics
Classification: Uncertain significance for Cardiovascular phenotype. Last evaluated: 2022-01-19. Review status: criteria provided, single submitter. Criteria: Ambry Variant Classification Scheme 2023. Collection method: clinical testing. Allele origin: germline.
Comment: The p.L52V variant (also known as c.154C>G), located in coding exon 2 of the PRKAG2 gene, results from a C to G substitution at nucleotide position 154. The leucine at codon 52 is replaced by valine, an amino acid with highly similar properties. This amino acid position is conserved. In addition, this alteration is predicted to be tolerated by in silico analysis. Since supporting evidence is limited at this time, the clinical significance of this alteration remains unclear.

NM_016203.4(PRKAG2):c.154C>G (p.Leu52Val)

Gene: PRKAG2 (protein kinase AMP-activated non-catalytic subunit gamma 2; minus strand). Cytogenetic location: 7q36.1.
Variant type: single nucleotide variant.
Coding change: c.154C>G on transcript NM_016203.4 (MANE Select); coding-DNA position 154, C replaced by G.
Protein change: p.Leu52Val; replaces leucine 52 with valine.
Molecular consequence: missense variant.
Genome position (GRCh38, 1-based): chr7:151,786,502, G>C on the plus strand (C>G on the coding strand, the complement: PRKAG2 is on the minus strand). VCF-style: chr7-151786502-G-C. GRCh37 (hg19) VCF-style: chr7-151483588-G-C.
Other names: c.22C>G, p.Leu8Val (NM_001040633.2, NM_001407024.1, NM_001407026.1 and 2 more transcripts); c.154C>G, p.Leu52Val (NM_001407021.1, NM_001407022.1, NM_001407023.1 and 2 more transcripts); short protein forms L52V, L8V.
Identifiers: ClinVar variation 1775014 (VCV001775014.8), dbSNP rs1456914798, ClinGen allele CA370070040.
Genomic context (GRCh38, chr7:151,786,502, plus strand): 5'-TGAGAAACTTCTGGAAAGGAGGTCTTACCTTTCGAGAGGAATGCTTTCCGGAACCCTCCA[G>C]GTCTCCGTCCAGGAGCGGCATGGCGAAGGAGCTCAGGTCCTAGGGTGGACAGAGAGCACG-3'
Protein context (NP_057287.2, residues 42-62): SFAMPLLDGD[Leu52Val]EGSGKHSSRK